The following is an entry in ClinVar:

NM_001322934.2(NFKB2):c.2167G>A (p.Asp723Asn)

Gene: NFKB2 (nuclear factor kappa B subunit 2; plus strand). Cytogenetic location: 10q24.32.
Variant type: single nucleotide variant.
Coding change: c.2167G>A on transcript NM_001322934.2 (MANE Select); coding-DNA position 2167, G replaced by A.
Protein change: p.Asp723Asn; replaces aspartic acid 723 with asparagine.
Molecular consequence: missense variant.
Genome position (GRCh38, 1-based): chr10:102,401,275, G>A. VCF-style: chr10-102401275-G-A. GRCh37 (hg19) VCF-style: chr10-104161032-G-A.
Other names: c.2167G>A, p.Asp723Asn (LRG_1347t1, NM_001077494.3, NM_001261403.3 and 2 more transcripts); c.2167G>A (NM_001077494.1); c.2041G>A, p.Asp681Asn (NM_001322935.1); short protein forms D723N, D681N.
Identifiers: ClinVar variation 541632 (VCV000541632.15), dbSNP rs199577673, ClinGen allele CA5665007.
Genomic context (GRCh38, chr10:102,401,275, plus strand): 5'-TGCCCACTGCCTTCACCCCCTACCTCTGATAGCGACTCGGACTCTGAAGGGCCTGAGAAG[G>A]ACACCCGAAGCAGCTTCCGGGGCCACACGCCTCTTGACCTCACTTGCAGCACCAAGGTGA-3'
Protein context (NP_001309863.1, residues 713-733): SDSDSEGPEK[Asp723Asn]TRSSFRGHTP

ClinVar aggregate classification (germline): Likely benign. Review status: criteria provided, multiple submitters, no conflicts (2 of 4 stars). 4 submissions from 4 submitters: Likely benign (3). 1 of the submissions does not count toward it. Last evaluated 2026-01-11.

Conditions:
NFKB2-related disorder. Also called: NFKB2-related condition.
Inborn genetic diseases. Identifiers: MedGen C0950123, MeSH D030342.
Immunodeficiency, common variable, 10. Also called: IMMUNODEFICIENCY, COMMON VARIABLE, WITH CENTRAL ADRENAL INSUFFICIENCY; DEFICIT IN ANTERIOR PITUITARY FUNCTION AND VARIABLE IMMUNODEFICIENCY. Identifiers: MedGen C3809991, MONDO:0014260, OMIM 615577.

Allele frequency attached by ClinVar (database versions not stated): ESP Exome Variant Server 0.00024; TOPMed 0.00036; gnomAD exomes 0.00044 and 0.00067; gnomAD 0.00049 and 0.00050; ExAC 0.00057.

Submissions (4):

Labcorp Genetics (formerly Invitae), Labcorp
Classification: Likely benign for Immunodeficiency, common variable, 10. Last evaluated: 2026-01-11. Review status: criteria provided, single submitter. Criteria: Invitae Variant Classification Sherloc (09022015). Collection method: clinical testing. Allele origin: germline.

Blueprint Genetics
Classification: Likely benign. Last evaluated: 2024-08-28. Review status: criteria provided, single submitter. Criteria: ACMG Guidelines, 2015. Collection method: clinical testing. Allele origin: germline.

Ambry Genetics
Classification: Likely benign for Inborn genetic diseases. Last evaluated: 2024-08-20. Review status: criteria provided, single submitter. Criteria: Ambry Variant Classification Scheme 2023. Collection method: clinical testing. Allele origin: germline.

PreventionGenetics, part of Exact Sciences
Classification: Uncertain significance for NFKB2-related condition. Last evaluated: 2024-08-08. Review status: no assertion criteria provided. Collection method: clinical testing. Allele origin: germline. Not counted in ClinVar's aggregate classification.
Comment: The NFKB2 c.2167G>A variant is predicted to result in the amino acid substitution p.Asp723Asn. To our knowledge, this variant has not been reported in the literature. This variant is reported in 0.097% of alleles in individuals of European (Non-Finnish) descent in gnomAD. Although we suspect that this variant may be benign, at this time, the clinical significance of this variant is uncertain due to the absence of conclusive functional and genetic evidence.